The following is an entry in ClinVar:

ClinVar aggregate classification (germline): Uncertain significance. Review status: criteria provided, multiple submitters, no conflicts (2 of 4 stars). 3 submissions from 3 submitters: Uncertain significance (3). Last evaluated 2026-04-21.

Conditions:
Inborn genetic diseases. Identifiers: MedGen C0950123, MeSH D030342.
Autosomal dominant nonsyndromic hearing loss 11. Identifiers: Orphanet 90635, MedGen C1832475, MONDO:0011032, OMIM 601317.

Allele frequency attached by ClinVar (database versions not stated): TOPMed 0.00001; ExAC 0.00001; gnomAD 0.00001.
gnomAD v4.1: 10 of 1,613,598 alleles (0.00062%); highest among the groups gnomAD compares: Admixed American, 0.005%; no homozygotes.

Submissions (3):

Victorian Clinical Genetics Services, Murdoch Childrens Research Institute
Classification: Uncertain significance for Autosomal dominant nonsyndromic hearing loss 11. Last evaluated: 2026-04-21. Review status: criteria provided, single submitter. Criteria: ACMG Guidelines, 2015. Collection method: clinical testing. Allele origin: germline. Affected: yes.
Comment: This variant is classified as VUS-3B. Evidence in support of pathogenic classification: Variant is present in gnomAD <0.01 (v4: 10 heterozygote(s), 0 homozygote(s)); Missense variant predicted to be damaging by in silico tool(s) or highly conserved with a major amino acid change. Additional information: Variant is predicted to result in a missense amino acid change from Arg to Gln; This variant is heterozygous; This gene is associated with both recessive and dominant disease. While the genotype-phenotype correlation is not established, missense variants causing autosomal dominant inheritance are rare and are not localised to a specific protein region (OMIM); Alternative amino acid change(s) at the same position are present in gnomAD (highest allele count: v4: 35 heterozygote(s), 0 homozygote(s)); Previous evidence of pathogenicity for this variant is inconclusive. This variant has been classified as a VUS by two clinical laboratories in ClinVar; No published evidence of segregation with disease has been identified for this variant; No published functional evidence has been identified for this variant; Another missense variant(s) comparable to the one identified in this case has inconclusive previous evidence for pathogenicity. This alternative change (p.(Arg684Trp)) has been classified as a VUS by several clinical laboratories in ClinVar. It has also been reported as a VUS for retinal dystrophy by the Deafness Variation Database; Variant is located in the annotated myosin head (motor domain) (DECIPHER); Loss of function is a known mechanism of disease in this gene and is associated with deafness, autosomal dominant 11 (MIM#601317), deafness, autosomal recessive 2 (MIM#600060) and Usher syndrome, type 1B (MIM#276900). In addition, dominant negative is the suggested mechanism for missense variants in autosomal dominant inheritance (OMIM, PMID: 23383098); Inheritance information for this variant is not currently available in this individual.

Ambry Genetics
Classification: Uncertain significance for Inborn genetic diseases. Last evaluated: 2025-08-12. Review status: criteria provided, single submitter. Criteria: Ambry Variant Classification Scheme 2023. Collection method: clinical testing. Allele origin: germline.

Revvity Omics, Revvity
Classification: Uncertain significance. Last evaluated: 2023-02-17. Review status: criteria provided, single submitter. Criteria: ACMG Guidelines, 2015. Collection method: clinical testing. Allele origin: germline.

Literature cited by the submitters: PubMed 23383098 (cited by Victorian Clinical Genetics Services, Murdoch Childrens Research Institute).

NM_000260.4(MYO7A):c.2051G>A (p.Arg684Gln)

Gene: MYO7A (myosin VIIA; plus strand). Cytogenetic location: 11q13.5.
Variant type: single nucleotide variant.
Coding change: c.2051G>A on transcript NM_000260.4 (MANE Select); coding-DNA position 2051, G replaced by A.
Protein change: p.Arg684Gln; replaces arginine 684 with glutamine.
Molecular consequence: missense variant.
Genome position (GRCh38, 1-based): chr11:77,174,871, G>A. VCF-style: chr11-77174871-G-A. GRCh37 (hg19) VCF-style: chr11-76885917-G-A.
Other names: c.2051G>A, p.Arg684Gln (NM_001127180.2); c.2018G>A, p.Arg673Gln (NM_001369365.1); c.2051G>A (NM_000260.3); short protein forms R673Q, R684Q.
Identifiers: ClinVar variation 2689514 (VCV002689514.4), dbSNP rs782219701, ClinGen allele CA6197675.
Genomic context (GRCh38, chr11:77,174,871, plus strand): 5'-CCATCCGAATCCGCCGAGCTGGCTACCCCATCCGCTACAGCTTCGTAGAGTTTGTGGAGC[G>A]GTACCGTGTGCTGCTGCCAGGTGTGAAGCCGGCCTACAAGCAGGTACAGGGCTGAGTGCA-3'
Protein context (NP_000251.3, residues 674-694): IRYSFVEFVE[Arg684Gln]YRVLLPGVKP